The following is an entry in ClinVar:

NM_007194.4(CHEK2):c.512del (p.Asn171fs)

Gene: CHEK2 (checkpoint kinase 2; minus strand). Cytogenetic location: 22q12.1.
Variant type: Deletion.
Coding change: c.512del on transcript NM_007194.4 (MANE Select); coding-DNA position 512, one base deleted (A; older notation c.512delA).
Protein change: p.Asn171fs; shifts the reading frame from asparagine 171.
Molecular consequence: frameshift variant. On other transcripts: 5 prime UTR variant (2), intron variant (1).
Genome position (GRCh38, 1-based): chr22:28,725,057, T deleted on the plus strand (A on the coding strand, the reverse complement: CHEK2 is on the minus strand); the first of 3 consecutive T bases (chr22:28,725,057-28,725,059); deleting any one gives the same sequence. VCF-style (leftmost placement, unchanged base first): chr22-28725056-AT-A. GRCh37 (hg19) VCF-style: chr22-29121044-AT-A.
Other names: c.641del, p.Asn214fs (NM_001005735.3, NM_001438294.1); c.-266del (NM_001257387.3); c.-152del (NM_001437942.1); c.605del, p.Asn202fs (NM_001438293.1, NM_001438295.1); c.512del, p.Asn171fs (NM_145862.3); c.445-134del (NM_001349956.3); c.512delA (NM_007194.3); short protein forms N171fs, N214fs, N202fs.
Identifiers: ClinVar variation 2828576 (VCV002828576.4), dbSNP rs2518052715, ClinGen allele CA2739265667.

ClinVar aggregate classification (germline): Pathogenic. Review status: criteria provided, multiple submitters, no conflicts (2 of 4 stars). 2 submissions from 2 submitters: Pathogenic (2). Last evaluated 2025-08-19.

Conditions:
Hereditary cancer-predisposing syndrome. Also called: Neoplastic Syndromes, Hereditary; Tumor predisposition; Hereditary Cancer Syndrome; Hereditary neoplastic syndrome. Identifiers: Orphanet 140162, MedGen C0027672, MeSH D009386, MONDO:0015356.
Familial cancer of breast. Also called: hereditary breast carcinoma; BREAST CANCER, FAMILIAL; Hereditary breast cancer. Identifiers: Orphanet 227535, MedGen C0346153, MONDO:0016419, OMIM 114480. Disease mechanism: loss of function.

Submissions (2):

Ambry Genetics
Classification: Pathogenic for Hereditary cancer-predisposing syndrome. Last evaluated: 2025-08-19. Review status: criteria provided, single submitter. Criteria: Ambry Variant Classification Scheme 2023. Collection method: clinical testing. Allele origin: germline.
Comment: The c.512delA pathogenic mutation, located in coding exon 3 of the CHEK2 gene, results from a deletion of one nucleotide at nucleotide position 512, causing a translational frameshift with a predicted alternate stop codon (p.N171Ifs*5). This variant is considered to be rare based on population cohorts in the Genome Aggregation Database (gnomAD). This alteration is expected to result in loss of function by premature protein truncation or nonsense-mediated mRNA decay. As such, this alteration is interpreted as a disease-causing mutation.

Labcorp Genetics (formerly Invitae), Labcorp
Classification: Pathogenic for Familial cancer of breast. Last evaluated: 2023-01-14. Review status: criteria provided, single submitter. Criteria: Invitae Variant Classification Sherloc (09022015). Collection method: clinical testing. Allele origin: germline.
Comment: This sequence change creates a premature translational stop signal (p.Asn171Ilefs*5) in the CHEK2 gene. It is expected to result in an absent or disrupted protein product. Loss-of-function variants in CHEK2 are known to be pathogenic (PMID: 21876083, 24713400). This variant is not present in population databases (gnomAD no frequency). This variant has not been reported in the literature in individuals affected with CHEK2-related conditions. For these reasons, this variant has been classified as Pathogenic.

Literature cited by the submitters: PubMed 21876083 (cited by Labcorp Genetics (formerly Invitae), Labcorp); PubMed 24713400 (cited by Labcorp Genetics (formerly Invitae), Labcorp).